The following is an entry in ClinVar:

NM_032793.5(MFSD2A):c.379G>A (p.Val127Ile)

Gene: MFSD2A (MFSD2 lysolipid transporter A, lysophospholipid; plus strand). Cytogenetic location: 1p34.2.
Variant type: single nucleotide variant.
Coding change: c.379G>A on transcript NM_032793.5 (MANE Select); coding-DNA position 379, G replaced by A.
Protein change: p.Val127Ile; replaces valine 127 with isoleucine.
Molecular consequence: missense variant. On other transcripts: 5 prime UTR variant (1), non-coding transcript variant (1).
Genome position (GRCh38, 1-based): chr1:39,965,236, G>A. VCF-style: chr1-39965236-G-A. GRCh37 (hg19) VCF-style: chr1-40430908-G-A.
Other names: c.418G>A, p.Val140Ile (NM_001136493.3); c.-90G>A (NM_001287808.2); c.268G>A, p.Val90Ile (NM_001287809.2); c.373G>A, p.Val125Ile (NM_001349821.2); c.379G>A, p.Val127Ile (NM_001349822.2); c.34G>A, p.Val12Ile (NM_001349823.2); short protein forms V90I, V127I, V125I, V12I, V140I.
Identifiers: ClinVar variation 4054338 (VCV004054338.2).

ClinVar aggregate classification (germline): Conflicting classifications of pathogenicity. Review status: criteria provided, conflicting classifications (1 of 4 stars). 2 submissions from 2 submitters: Uncertain significance (1); Likely benign (1). Last evaluated 2025-08-01.

Conditions:
Inborn genetic diseases. Identifiers: MedGen C0950123, MeSH D030342.

gnomAD v4.1: 125 of 1,614,006 alleles (0.0077%); highest among the groups gnomAD compares: African/African-American, 0.056%; no homozygotes.

Submissions (2):

Labcorp Genetics (formerly Invitae), Labcorp
Classification: Uncertain significance. Last evaluated: 2025-08-01. Review status: criteria provided, single submitter. Criteria: Invitae Variant Classification Sherloc (09022015). Collection method: clinical testing. Allele origin: germline.
Comment: This sequence change replaces valine, which is neutral and non-polar, with isoleucine, which is neutral and non-polar, at codon 140 of the MFSD2A protein (p.Val140Ile). This variant is present in population databases (rs144708707, gnomAD 0.06%). This variant has not been reported in the literature in individuals affected with MFSD2A-related conditions. ClinVar contains an entry for this variant (Variation ID: 4054338). Invitae Evidence Modeling of protein sequence and biophysical properties (such as structural, functional, and spatial information, amino acid conservation, physicochemical variation, residue mobility, and thermodynamic stability) indicates that this missense variant is not expected to disrupt MFSD2A protein function with a negative predictive value of 80%. In summary, the available evidence is currently insufficient to determine the role of this variant in disease. Therefore, it has been classified as a Variant of Uncertain Significance.

Ambry Genetics
Classification: Likely benign for Inborn genetic diseases. Last evaluated: 2025-04-01. Review status: criteria provided, single submitter. Criteria: Ambry Variant Classification Scheme 2023. Collection method: clinical testing. Allele origin: germline.